The following is an entry in ClinVar:

ClinVar aggregate classification (germline): Uncertain significance (1 of 4 stars; one submission).

Conditions:
Sulfite oxidase deficiency due to molybdenum cofactor deficiency type A. Also called: Molybdenum cofactor deficiency, complementation group A; Molybdenum Cofactor Deficiency A. Identifiers: Orphanet 308386, Orphanet 833, MedGen C1854988, MONDO:0009643, OMIM 252150.

Allele frequency attached by ClinVar (database versions not stated): gnomAD 0.00001; TOPMed 0.00001; ExAC 0.00003; gnomAD exomes 0.00004; ESP Exome Variant Server 0.00008.
gnomAD v4.1: 56 of 1,611,052 alleles (0.0035%); highest among the groups gnomAD compares: Non-Finnish European, 0.0044%; no homozygotes.

Submission:

Labcorp Genetics (formerly Invitae), Labcorp
Classification: Uncertain significance for Sulfite oxidase deficiency due to molybdenum cofactor deficiency type A. Last evaluated: 2022-05-05. Review status: criteria provided, single submitter. Criteria: Invitae Variant Classification Sherloc (09022015). Collection method: clinical testing. Allele origin: germline.
Comment: This sequence change replaces cysteine, which is neutral and slightly polar, with tyrosine, which is neutral and polar, at codon 608 of the MOCS1 protein (p.Cys608Tyr). This variant is present in population databases (rs369986858, gnomAD 0.005%). This variant has not been reported in the literature in individuals affected with MOCS1-related conditions. Algorithms developed to predict the effect of missense changes on protein structure and function are either unavailable or do not agree on the potential impact of this missense change (SIFT: "Not Available"; PolyPhen-2: "Probably Damaging"; Align-GVGD: "Not Available"). In summary, the available evidence is currently insufficient to determine the role of this variant in disease. Therefore, it has been classified as a Variant of Uncertain Significance.

NM_001358530.2(MOCS1):c.1823G>A (p.Cys608Tyr)

Gene: MOCS1 (molybdenum cofactor synthesis 1; minus strand). Cytogenetic location: 6p21.2.
Variant type: single nucleotide variant.
Coding change: c.1823G>A on transcript NM_001358530.2 (MANE Select); coding-DNA position 1823, G replaced by A.
Protein change: p.Cys608Tyr; replaces cysteine 608 with tyrosine.
Molecular consequence: missense variant. On other transcripts: 3 prime UTR variant (4), non-coding transcript variant (1).
Genome position (GRCh38, 1-based): chr6:39,906,445, C>T on the plus strand (G>A on the coding strand, the complement: MOCS1 is on the minus strand). VCF-style: chr6-39906445-C-T. GRCh37 (hg19) VCF-style: chr6-39874221-C-T.
Other names: c.*680G>A (NM_001075098.4, NM_001358533.2, NM_001358534.2 and 1 more transcripts); c.1775G>A, p.Cys592Tyr (NM_001358529.2); c.1562G>A, p.Cys521Tyr (NM_001358531.2); short protein forms C592Y, C608Y, C521Y.
Identifiers: ClinVar variation 1975040 (VCV001975040.2), dbSNP rs369986858, ClinGen allele CA3795879.